The following is an entry in ClinVar:

NM_016507.4(CDK12):c.4457G>A (p.Arg1486Lys)

Gene: CDK12 (cyclin dependent kinase 12; plus strand). Cytogenetic location: 17q12.
Variant type: single nucleotide variant.
Coding change: c.4457G>A on transcript NM_016507.4 (MANE Select); coding-DNA position 4457, G replaced by A.
Protein change: p.Arg1486Lys; replaces arginine 1486 with lysine.
Molecular consequence: missense variant.
Genome position (GRCh38, 1-based): chr17:39,531,300, G>A. VCF-style: chr17-39531300-G-A. GRCh37 (hg19) VCF-style: chr17-37687553-G-A.
Other names: c.4430G>A, p.Arg1477Lys (NM_015083.4); short protein forms R1477K, R1486K.
Identifiers: ClinVar variation 5034169 (VCV005034169.1).
Genomic context (GRCh38, chr17:39,531,300, plus strand): 5'-CTGCTTATGGAAAACTCTATCGGGGGCCTACAAGAGTCCCACCAAGAGGGGGAAGAGGGA[G>A]AGGAGTTCCTTACTAACCCAGAGACTTCAGTGTCCTGAAAGATTCCTTTCCTATCCATCC-3'
Protein context (NP_057591.2, residues 1476-1490): TRVPPRGGRG[Arg1486Lys]GVPY

ClinVar aggregate classification (germline): Uncertain significance (1 of 4 stars; one submission).

gnomAD v4.1: 2 of 1,490,744 alleles (0.00013%); highest among the groups gnomAD compares: Non-Finnish European, 0.00018%; no homozygotes.

Submission:

Ambry Genetics
Classification: Uncertain significance. Last evaluated: 2026-08-24. Review status: criteria provided, single submitter. Criteria: Ambry Variant Classification Scheme 2023. Collection method: clinical testing. Allele origin: germline.
Comment: The p.R1486K variant (also known as c.4457G>A), located in coding exon 14 of the CDK12 gene, results from a G to A substitution at nucleotide position 4457. The arginine at codon 1486 is replaced by lysine, an amino acid with highly similar properties. This amino acid position is conserved. In addition, the in silico prediction for this alteration is inconclusive. Based on the available evidence, the clinical significance of this variant remains unclear.